The following is an entry in ClinVar:

ClinVar aggregate classification (germline): Pathogenic. Review status: criteria provided, multiple submitters, no conflicts (2 of 4 stars). 2 submissions from 2 submitters: Pathogenic (2). Last evaluated 2023-10-03.

Conditions:
Breast-ovarian cancer, familial, susceptibility to, 1 (BROVCA1). Also called: BRCA1 Hereditary Breast and Ovarian Cancer; OVARIAN CANCER, SUSCEPTIBILITY TO. Identifiers: Orphanet 145, MedGen C2676676, MONDO:0011450, OMIM 604370. Disease mechanism: loss of function.
Hereditary breast ovarian cancer syndrome. Also called: Breast and ovarian cancer; Hereditary breast and ovarian cancer; Hereditary breast and ovarian cancer syndrome; Hereditary breast and/or ovarian cancer syndrome; BRCA1- and BRCA2-Associated Hereditary Breast and Ovarian Cancer; Hereditary breast and ovarian cancer syndrome (HBOC). Identifiers: Orphanet 145, MedGen C0677776, MeSH D061325, MONDO:0003582. Disease mechanism: loss of function.

Submissions (2):

Labcorp Genetics (formerly Invitae), Labcorp
Classification: Pathogenic for Hereditary breast ovarian cancer syndrome. Last evaluated: 2023-10-03. Review status: criteria provided, single submitter. Criteria: Invitae Variant Classification Sherloc (09022015). Collection method: clinical testing. Allele origin: germline.
Comment: This sequence change creates a premature translational stop signal (p.Cys805Valfs*5) in the BRCA1 gene. It is expected to result in an absent or disrupted protein product. Loss-of-function variants in BRCA1 are known to be pathogenic (PMID: 20104584). This variant is not present in population databases (gnomAD no frequency). This variant has not been reported in the literature in individuals affected with BRCA1-related conditions. ClinVar contains an entry for this variant (Variation ID: 2431293). For these reasons, this variant has been classified as Pathogenic.

Myriad Genetics, Inc.
Classification: Pathogenic for Breast-ovarian cancer, familial, susceptibility to, 1. Last evaluated: 2023-01-06. Review status: criteria provided, single submitter. Criteria: Myriad Autosomal Dominant, Autosomal Recessive and X-Linked Classification Criteria (2023). Collection method: clinical testing. Allele origin: unknown.
Comment: This variant is considered pathogenic. This variant creates a frameshift predicted to result in premature protein truncation.

Literature cited by the submitters: PubMed 20104584 (cited by Labcorp Genetics (formerly Invitae), Labcorp).

NM_007294.4(BRCA1):c.2412dup (p.Cys805fs)

Gene: BRCA1 (BRCA1 DNA repair associated; minus strand). Cytogenetic location: 17q21.31.
Variant type: Duplication.
Coding change: c.2412dup on transcript NM_007294.4 (MANE Select); coding-DNA position 2412, one base duplicated (G; older notation c.2412dupG).
Protein change: p.Cys805fs; shifts the reading frame from cysteine 805.
Molecular consequence: frameshift variant. On other transcripts: intron variant (137).
Genome position (GRCh38, 1-based): chr17:43,093,119, C duplicated on the plus strand (G on the coding strand, the reverse complement: BRCA1 is on the minus strand). VCF-style (leftmost placement, unchanged base first): chr17-43093118-A-AC. GRCh37 (hg19) VCF-style: chr17-41245135-A-AC.
Other names: c.2199dup, p.Cys734fs (NM_001407571.1, NM_001407853.1, NM_001407894.1 and 9 more transcripts); c.2412dup, p.Cys805fs (NM_001407581.1, NM_001407582.1, NM_001407583.1 and 30 more transcripts); c.2409dup, p.Cys804fs (NM_001407587.1, NM_001407590.1, NM_001407591.1 and 22 more transcripts); c.2403dup, p.Cys802fs (NM_001407646.1, NM_001407647.1); c.2289dup, p.Cys764fs (NM_001407648.1, NM_001407664.1, NM_001407665.1 and 19 more transcripts); c.2286dup, p.Cys763fs (NM_001407649.1, NM_001407670.1, NM_001407671.1 and 11 more transcripts); c.2334dup, p.Cys779fs (NM_001407653.1, NM_001407654.1, NM_001407655.1 and 4 more transcripts); c.2331dup, p.Cys778fs (NM_001407659.1, NM_001407660.1, NM_001407661.1 and 1 more transcripts); and 41 more; short protein forms C758fs, C805fs, C637fs, C693fs, C694fs, C734fs, C757fs, C764fs.
Identifiers: ClinVar variation 2431293 (VCV002431293.4), dbSNP rs2552188875, ClinGen allele CA2580094038.